The following is an entry in ClinVar:

ClinVar aggregate classification (germline): Benign/Likely benign. Review status: criteria provided, multiple submitters, no conflicts (2 of 4 stars). 3 submissions from 3 submitters: Benign (1); Likely benign (2). Last evaluated 2025-08-12.

Conditions:
Familial melanoma. Also called: Hereditary melanoma; Hereditary cutaneous melanoma. Identifiers: Orphanet 618, MedGen C1512419, MONDO:0018961.
Melanoma-pancreatic cancer syndrome. Identifiers: Orphanet 404560, MedGen C1838547, MONDO:0011713, OMIM 606719. Disease mechanism: loss of function.
Hereditary cancer-predisposing syndrome. Also called: Neoplastic Syndromes, Hereditary; Tumor predisposition; Hereditary Cancer Syndrome; Hereditary neoplastic syndrome. Identifiers: Orphanet 140162, MedGen C0027672, MeSH D009386, MONDO:0015356.

Allele frequency attached by ClinVar (database versions not stated): gnomAD exomes 0.00001; TOPMed 0.00003; ExAC 0.00001.
gnomAD v4.1: 12 of 1,606,788 alleles (0.00075%); highest among the groups gnomAD compares: East Asian, 0.016%; 1 homozygote.

Submissions (3):

Myriad Genetics, Inc.
Classification: Benign for Melanoma-pancreatic cancer syndrome. Last evaluated: 2025-08-12. Review status: criteria provided, single submitter. Criteria: Myriad Autosomal Dominant, Autosomal Recessive and X-Linked Classification Criteria (2023). Collection method: clinical testing. Allele origin: unknown.
Comment: This variant is considered benign. This variant is a silent/synonymous amino acid change and it is not expected to impact splicing.

Ambry Genetics
Classification: Likely benign for Hereditary cancer-predisposing syndrome. Last evaluated: 2022-01-06. Review status: criteria provided, single submitter. Criteria: Ambry Variant Classification Scheme 2023. Collection method: clinical testing. Allele origin: germline.

Labcorp Genetics (formerly Invitae), Labcorp
Classification: Likely benign for Familial melanoma. Last evaluated: 2021-12-17. Review status: criteria provided, single submitter. Criteria: Invitae Variant Classification Sherloc (09022015). Collection method: clinical testing. Allele origin: germline.

NM_058195.4(CDKN2A):c.78C>T (p.His26=)

Gene: CDKN2A (cyclin dependent kinase inhibitor 2A; minus strand). Cytogenetic location: 9p21.3.
Variant type: single nucleotide variant.
Coding change: c.78C>T on transcript NM_058195.4 (MANE Plus Clinical); coding-DNA position 78, C replaced by T.
Protein change: p.His26=; no amino-acid change (histidine 26 retained).
Molecular consequence: synonymous variant. On other transcripts: intron variant (1).
Genome position (GRCh38, 1-based): chr9:21,994,254, G>A on the plus strand (C>T on the coding strand, the complement: CDKN2A is on the minus strand). VCF-style: chr9-21994254-G-A. GRCh37 (hg19) VCF-style: chr9-21994253-G-A.
Other names: c.-4+567C>T (NM_001363763.2).
Identifiers: ClinVar variation 1140549 (VCV001140549.8), dbSNP rs756946306, ClinGen allele CA5012393.
Genomic context (GRCh38, chr9:21,994,254, plus strand): 5'-CACGAGGGCCACAGCGGCGGGCGCCCCTGGCGCTGCCCACTCCCCCGTGAGCCGCGGGAT[G>A]TGAACCACGAAAACCCTCACTCGCGGCGGGCCGCACGCGCGCCGAATCCGGAGGGTCACC-3'
Protein context (NP_478102.2, residues 16-36): GPPRVRVFVV[His26=]IPRLTGEWAA